The following is an entry in ClinVar:

ClinVar aggregate classification (germline): Likely pathogenic (1 of 4 stars; one submission).

Conditions:
Dilated cardiomyopathy 1G (CMD1G). Identifiers: Orphanet 154, MedGen C1858763, MONDO:0011400, OMIM 604145.
Autosomal recessive limb-girdle muscular dystrophy type 2J (LGMDR10). Also called: Limb-girdle muscular dystrophy, type 2J; MUSCULAR DYSTROPHY, LIMB-GIRDLE, AUTOSOMAL RECESSIVE 10. Identifiers: Orphanet 140922, MedGen C1837342, MONDO:0012127, OMIM 608807.

Submission:

Labcorp Genetics (formerly Invitae), Labcorp
Classification: Likely pathogenic for Dilated cardiomyopathy 1G; Autosomal recessive limb-girdle muscular dystrophy type 2J. Last evaluated: 2022-10-04. Review status: criteria provided, single submitter. Criteria: Invitae Variant Classification Sherloc (09022015). Collection method: clinical testing. Allele origin: germline.
Comment: This sequence change creates a premature translational stop signal (p.Leu23642Glufs*9) in the TTN gene. While this is not anticipated to result in nonsense mediated decay, it is expected to create a truncated TTN protein. This variant is not present in population databases (gnomAD no frequency). This variant has not been reported in the literature in individuals affected with TTN-related conditions. This variant is located in the A band of TTN (PMID: 25589632). Truncating variants in this region are significantly overrepresented in patients affected with dilated cardiomyopathy (PMID: 25589632). Truncating variants in this region have also been reported in individuals affected with autosomal recessive centronuclear myopathy (PMID: 23975875). In summary, the currently available evidence indicates that the variant is pathogenic, but additional data are needed to prove that conclusively. Therefore, this variant has been classified as Likely Pathogenic.

Literature cited by the submitters: PubMed 25589632; PubMed 23975875.

NM_001267550.2(TTN):c.70920_70923dup (p.Leu23642fs)

Genes: TTN (titin; minus strand), TTN-AS1 (TTN antisense RNA 1; plus strand). Cytogenetic location: 2q31.2.
Variant type: Duplication.
Coding change: c.70920_70923dup on transcript NM_001267550.2 (MANE Select); coding-DNA positions 70920 to 70923, 4 bases duplicated (GAAA; older notation c.70920_70923dupGAAA).
Protein change: p.Leu23642fs; shifts the reading frame from leucine 23642.
Molecular consequence: frameshift variant.
Genome position (GRCh38, 1-based): chr2:178,575,209-178,575,212, TTTC duplicated on the plus strand (GAAA on the coding strand, the reverse complement: TTN is on the minus strand); duplicating any 4 consecutive bases within chr2:178,575,209-178,575,213 gives the same sequence; the c. name uses the placement nearest the transcript's 3' end. VCF-style (leftmost placement, unchanged base first): chr2-178575208-G-GTTTC. GRCh37 (hg19) VCF-style: chr2-179439935-G-GTTTC.
Other names: c.65997_66000dup, p.Leu22001fs (NM_001256850.1); c.43725_43728dup, p.Leu14577fs (NM_003319.4); c.63216_63219dup, p.Leu21074fs (NM_133378.4); c.44100_44103dup, p.Leu14702fs (NM_133432.3); c.44301_44304dup, p.Leu14769fs (NM_133437.4); short protein forms L14769fs, L21074fs, L23642fs, L14702fs, L14577fs, L22001fs.
Identifiers: ClinVar variation 2033982 (VCV002033982.4), dbSNP rs2468664763, ClinGen allele CA2580064874.